The following is an entry in ClinVar:

NM_001388492.1(HTT):c.3635A>G (p.Gln1212Arg)

Gene: HTT (huntingtin; plus strand). Cytogenetic location: 4p16.3.
Variant type: single nucleotide variant.
Coding change: c.3635A>G on transcript NM_001388492.1 (MANE Select); coding-DNA position 3635, A replaced by G.
Protein change: p.Gln1212Arg; replaces glutamine 1212 with arginine.
Molecular consequence: missense variant.
Genome position (GRCh38, 1-based): chr4:3,157,081, A>G. VCF-style: chr4-3157081-A-G. GRCh37 (hg19) VCF-style: chr4-3158808-A-G.
Other names: c.3641A>G, p.Gln1214Arg (NM_002111.8); short protein forms Q1212R, Q1214R.
Identifiers: ClinVar variation 1354048 (VCV001354048.6), dbSNP rs2110214613, ClinGen allele CA356101581.

ClinVar aggregate classification (germline): Uncertain significance (1 of 4 stars; one submission).

Submission:

Labcorp Genetics (formerly Invitae), Labcorp
Classification: Uncertain significance. Last evaluated: 2024-07-01. Review status: criteria provided, single submitter. Criteria: Invitae Variant Classification Sherloc (09022015). Collection method: clinical testing. Allele origin: germline.
Comment: This sequence change replaces glutamine, which is neutral and polar, with arginine, which is basic and polar, at codon 1214 of the HTT protein (p.Gln1214Arg). This variant is not present in population databases (gnomAD no frequency). This variant has not been reported in the literature in individuals affected with HTT-related conditions. ClinVar contains an entry for this variant (Variation ID: 1354048). Experimental studies and prediction algorithms are not available or were not evaluated, and the functional significance of this variant is currently unknown. In summary, the available evidence is currently insufficient to determine the role of this variant in disease. Therefore, it has been classified as a Variant of Uncertain Significance.